The following is an entry in ClinVar:

NM_080605.4(B3GALT6):c.825C>T (p.Tyr275=)

Gene: B3GALT6 (beta-1,3-galactosyltransferase 6; plus strand). Cytogenetic location: 1p36.33.
Variant type: single nucleotide variant.
Coding change: c.825C>T on transcript NM_080605.4 (MANE Select); coding-DNA position 825, C replaced by T.
Protein change: p.Tyr275=; no amino-acid change (tyrosine 275 retained).
Molecular consequence: synonymous variant.
Genome position (GRCh38, 1-based): chr1:1,233,103, C>T. VCF-style: chr1-1233103-C-T. GRCh37 (hg19) VCF-style: chr1-1168483-C-T.
Identifiers: ClinVar variation 516035 (VCV000516035.8), dbSNP rs769833251, ClinGen allele CA513446.

ClinVar aggregate classification (germline): Likely benign. Review status: criteria provided, multiple submitters, no conflicts (2 of 4 stars). 3 submissions from 3 submitters: Likely benign (3). Last evaluated 2025-11-01.

Allele frequency attached by ClinVar (database versions not stated): TOPMed below 0.00001; gnomAD 0.00001; ExAC 0.00011.

Submissions (3):

CeGaT Center for Human Genetics Tuebingen
Classification: Likely benign. Last evaluated: 2025-11-01. Review status: criteria provided, single submitter. Criteria: CeGaT Center For Human Genetics Tuebingen Variant Classification Criteria Version 2. Collection method: clinical testing. Allele origin: germline. Affected: yes. Observed: 1 variant allele.
Comment: B3GALT6: BP4, BP7

Blueprint Genetics
Classification: Likely benign. Last evaluated: 2018-06-07. Review status: criteria provided, single submitter. Criteria: ACMG Guidelines, 2015. Collection method: clinical testing. Allele origin: germline.

GeneDx
Classification: Likely benign. Last evaluated: 2018-03-13. Review status: criteria provided, single submitter. Criteria: GeneDx Variant Classification (06012015). Collection method: clinical testing. Allele origin: germline. Affected: yes.
Comment: This variant is considered likely benign or benign based on one or more of the following criteria: it is a conservative change, it occurs at a poorly conserved position in the protein, it is predicted to be benign by multiple in silico algorithms, and/or has population frequency not consistent with disease.